The following is an entry in ClinVar:

ClinVar aggregate classification (germline): Uncertain significance (1 of 4 stars; one submission).

Conditions:
Dyskeratosis congenita, autosomal recessive 5 (DKCB5). Identifiers: MedGen C3554656, MONDO:0014076, OMIM 615190.
Pulmonary fibrosis and/or bone marrow failure, Telomere-related, 3. Also called: PULMONARY FIBROSIS AND/OR BONE MARROW FAILURE SYNDROME, TELOMERE-RELATED, 3. Identifiers: Orphanet 2032, MedGen C4225346, MONDO:0014613, OMIM 616373.

Submission:

Labcorp Genetics (formerly Invitae), Labcorp
Classification: Uncertain significance for Dyskeratosis congenita, autosomal recessive 5; Pulmonary fibrosis and/or bone marrow failure, Telomere-related, 3. Last evaluated: 2024-10-21. Review status: criteria provided, single submitter. Criteria: Invitae Variant Classification Sherloc (09022015). Collection method: clinical testing. Allele origin: germline.
Comment: This sequence change replaces asparagine, which is neutral and polar, with serine, which is neutral and polar, at codon 502 of the RTEL1 protein (p.Asn502Ser). This variant is not present in population databases (gnomAD no frequency). This variant has not been reported in the literature in individuals affected with RTEL1-related conditions. ClinVar contains an entry for this variant (Variation ID: 1419630). An algorithm developed to predict the effect of missense changes on protein structure and function (PolyPhen-2) suggests that this variant is likely to be disruptive. In summary, the available evidence is currently insufficient to determine the role of this variant in disease. Therefore, it has been classified as a Variant of Uncertain Significance.

NM_001283009.2(RTEL1):c.1505A>G (p.Asn502Ser)

Genes: RTEL1-TNFRSF6B (RTEL1-TNFRSF6B readthrough (NMD candidate); plus strand), RTEL1 (regulator of telomere elongation helicase 1; plus strand). Cytogenetic location: 20q13.33.
Variant type: single nucleotide variant.
Coding change: c.1505A>G on transcript NM_001283009.2 (MANE Select); coding-DNA position 1505, A replaced by G.
Protein change: p.Asn502Ser; replaces asparagine 502 with serine.
Molecular consequence: missense variant. On other transcripts: non-coding transcript variant (1).
Genome position (GRCh38, 1-based): chr20:63,687,960, A>G. VCF-style: chr20-63687960-A-G. GRCh37 (hg19) VCF-style: chr20-62319313-A-G.
Other names: c.836A>G, p.Asn279Ser (NM_001283010.1); c.1505A>G, p.Asn502Ser (NM_016434.4); c.1577A>G, p.Asn526Ser (NM_032957.5); short protein forms N502S, N526S, N279S.
Identifiers: ClinVar variation 1419630 (VCV001419630.8), dbSNP rs2145420924, ClinGen allele CA409676594.
Genomic context (GRCh38, chr20:63,687,960, plus strand): 5'-CACTTCCCCACTGTCTGCTCCCTCTGGCCACGCTCAGCCCTTTCCCAGTCTGCCTGGAGA[A>G]CCCACACATCATCGACAAGCACCAGATCTGGGTGGGGGTCGTCCCCAGAGGCCCCGATGG-3'
Protein context (NP_001269938.1, residues 492-512): MQIPFPVCLE[Asn502Ser]PHIIDKHQIW